The following is an entry in ClinVar:

NM_002184.4(IL6ST):c.1019A>G (p.His340Arg)

Gene: IL6ST (interleukin 6 cytokine family signal transducer; minus strand). Cytogenetic location: 5q11.2.
Variant type: single nucleotide variant.
Coding change: c.1019A>G on transcript NM_002184.4 (MANE Select); coding-DNA position 1019, A replaced by G.
Protein change: p.His340Arg; replaces histidine 340 with arginine.
Molecular consequence: missense variant. On other transcripts: non-coding transcript variant (2), intron variant (2).
Genome position (GRCh38, 1-based): chr5:55,957,246, T>C on the plus strand (A>G on the coding strand, the complement: IL6ST is on the minus strand). VCF-style: chr5-55957246-T-C. GRCh37 (hg19) VCF-style: chr5-55253074-T-C.
Other names: c.1019A>G, p.His340Arg (NM_001190981.2, NM_001364275.2); c.809A>G, p.His270Arg (NM_001364276.2); c.152A>G, p.His51Arg (NM_001364277.2); c.116A>G, p.His39Arg (NM_001364278.2); c.61-1011A>G (NM_001364279.2); c.974-1011A>G (NM_175767.3); short protein forms H270R, H340R, H39R, H51R.
Identifiers: ClinVar variation 3608241 (VCV003608241.2).

ClinVar aggregate classification (germline): Uncertain significance (1 of 4 stars; one submission).

Submission:

Labcorp Genetics (formerly Invitae), Labcorp
Classification: Uncertain significance. Last evaluated: 2024-03-01. Review status: criteria provided, single submitter. Criteria: Invitae Variant Classification Sherloc (09022015). Collection method: clinical testing. Allele origin: germline.
Comment: This sequence change replaces histidine, which is basic and polar, with arginine, which is basic and polar, at codon 340 of the IL6ST protein (p.His340Arg). This variant is present in population databases (rs368526229, gnomAD 0.0009%). This variant has not been reported in the literature in individuals affected with IL6ST-related conditions. Algorithms developed to predict the effect of missense changes on protein structure and function output the following: SIFT: "Not Available"; PolyPhen-2: "Benign"; Align-GVGD: "Not Available". The arginine amino acid residue is found in multiple mammalian species, which suggests that this missense change does not adversely affect protein function. In summary, the available evidence is currently insufficient to determine the role of this variant in disease. Therefore, it has been classified as a Variant of Uncertain Significance.